The following is an entry in ClinVar:

NM_014321.4(ORC6):c.756G>A (p.Glu252=)

Gene: ORC6 (origin recognition complex subunit 6; plus strand). Cytogenetic location: 16q11.2.
Variant type: single nucleotide variant.
Coding change: c.756G>A on transcript NM_014321.4 (MANE Select); coding-DNA position 756, G replaced by A.
Protein change: p.Glu252=; no amino-acid change (glutamic acid 252 retained).
Molecular consequence: synonymous variant. On other transcripts: non-coding transcript variant (1).
Genome position (GRCh38, 1-based): chr16:46,697,582, G>A. VCF-style: chr16-46697582-G-A. GRCh37 (hg19) VCF-style: chr16-46731494-G-A.
Identifiers: ClinVar variation 1652941 (VCV001652941.32), dbSNP rs750652404, ClinGen allele CA8037486.
Genomic context (GRCh38, chr16:46,697,582, plus strand): 5'-TGAAGAATGGAAAAGAAAAATTTTGGAAAATGCTGCCAGTGCTCAAAAGGCTACAGCAGA[G>A]TGATTTCAGCTTCCAAACTGGTATACATTCCAAACTGATAGTACATTGCCATCTCCAGGA-3'
Protein context (NP_055136.1, residues 242-252): NAASAQKATA[Glu252=]

ClinVar aggregate classification (germline): Likely benign. Review status: criteria provided, multiple submitters, no conflicts (2 of 4 stars). 2 submissions from 2 submitters: Likely benign (2). Last evaluated 2023-03-20.

Allele frequency attached by ClinVar (database versions not stated): gnomAD 0.00001; gnomAD exomes 0.00002; TOPMed 0.00002; ExAC 0.00004.
gnomAD v4.1: 30 of 1,613,990 alleles (0.0019%); highest among the groups gnomAD compares: Middle Eastern, 0.033%; no homozygotes.

Submissions (2):

Labcorp Genetics (formerly Invitae), Labcorp
Classification: Likely benign. Last evaluated: 2023-03-20. Review status: criteria provided, single submitter. Criteria: Invitae Variant Classification Sherloc (09022015). Collection method: clinical testing. Allele origin: germline.

CeGaT Center for Human Genetics Tuebingen
Classification: Likely benign. Last evaluated: 2022-06-01. Review status: criteria provided, single submitter. Criteria: CeGaT Center For Human Genetics Tuebingen Variant Classification Criteria Version 2. Collection method: clinical testing. Allele origin: germline. Affected: yes. Observed: 1 variant allele.
Comment: ORC6: BP4, BP7